The following is an entry in ClinVar:

ClinVar aggregate classification (germline): Uncertain significance (1 of 4 stars; one submission).

Allele frequency attached by ClinVar (database versions not stated): gnomAD exomes 0.00001.
gnomAD v4.1: 19 of 1,614,138 alleles (0.0012%); highest among the groups gnomAD compares: Non-Finnish European, 0.0016%; no homozygotes.

Submission:

Labcorp Genetics (formerly Invitae), Labcorp
Classification: Uncertain significance. Last evaluated: 2022-02-11. Review status: criteria provided, single submitter. Criteria: Invitae Variant Classification Sherloc (09022015). Collection method: clinical testing. Allele origin: germline.
Comment: This sequence change replaces serine, which is neutral and polar, with asparagine, which is neutral and polar, at codon 437 of the PCARE protein (p.Ser437Asn). This variant is not present in population databases (gnomAD no frequency). This variant has not been reported in the literature in individuals affected with PCARE-related conditions. Algorithms developed to predict the effect of missense changes on protein structure and function output the following: SIFT: "Tolerated"; PolyPhen-2: "Benign"; Align-GVGD: "Class C0". The asparagine amino acid residue is found in multiple mammalian species, which suggests that this missense change does not adversely affect protein function. In summary, the available evidence is currently insufficient to determine the role of this variant in disease. Therefore, it has been classified as a Variant of Uncertain Significance.

NM_001029883.3(PCARE):c.1310G>A (p.Ser437Asn)

Gene: PCARE (photoreceptor cilium actin regulator; minus strand). Cytogenetic location: 2p23.2.
Variant type: single nucleotide variant.
Coding change: c.1310G>A on transcript NM_001029883.3 (MANE Select); coding-DNA position 1310, G replaced by A.
Protein change: p.Ser437Asn; replaces serine 437 with asparagine.
Molecular consequence: missense variant.
Genome position (GRCh38, 1-based): chr2:29,072,952, C>T on the plus strand (G>A on the coding strand, the complement: PCARE is on the minus strand). VCF-style: chr2-29072952-C-T. GRCh37 (hg19) VCF-style: chr2-29295818-C-T.
Other names: short protein forms S437N.
Identifiers: ClinVar variation 2192395 (VCV002192395.4), dbSNP rs779690773, ClinGen allele CA44643115.
Genomic context (GRCh38, chr2:29,072,952, plus strand): 5'-TCACATGGGGTGCTTGTCCCCAGCTTCAAAGGTGGGGAGGTGATATTTTCTGGGCTTGTA[C>T]TGGAGAGGCATGGGCTCCTTGCTTCGTCCTGTGCTCGTGGCTGAACCTTTGCCATAGGAG-3'
Protein context (NP_001025054.1, residues 427-447): QDEARSPCLS[Ser437Asn]TSPENITSPP